The following is an entry in ClinVar:

NM_000268.4(NF2):c.944C>T (p.Ser315Phe)

Gene: NF2 (NF2, moesin-ezrin-radixin like (MERLIN) tumor suppressor; plus strand). Cytogenetic location: 22q12.2.
Variant type: single nucleotide variant.
Coding change: c.944C>T on transcript NM_000268.4 (MANE Select); coding-DNA position 944, C replaced by T.
Protein change: p.Ser315Phe; replaces serine 315 with phenylalanine.
Molecular consequence: missense variant. On other transcripts: non-coding transcript variant (1), intron variant (1).
Genome position (GRCh38, 1-based): chr22:29,668,391, C>T. VCF-style: chr22-29668391-C-T. GRCh37 (hg19) VCF-style: chr22-30064380-C-T.
Other names: c.830C>T, p.Ser277Phe (NM_001407053.1, NM_001407056.1); c.821C>T, p.Ser274Phe (NM_001407054.1, NM_001407058.1, NM_181829.3); c.818C>T, p.Ser273Phe (NM_001407055.1, NM_181828.3); c.809C>T, p.Ser270Phe (NM_001407057.1, NM_001407059.1); c.944C>T, p.Ser315Phe (NM_001407060.1, NM_001407066.1, NM_016418.5 and 2 more transcripts); c.686C>T, p.Ser229Phe (NM_001407062.1); c.695C>T, p.Ser232Phe (NM_001407063.1, NM_001407064.1, NM_181830.3 and 1 more transcripts); c.410C>T, p.Ser137Phe (NM_001407065.1); and 2 more; short protein forms S137F, S229F, S232F, S238F, S270F, S273F, S274F, S277F.
Identifiers: ClinVar variation 3231116 (VCV003231116.1), dbSNP rs2518645813, ClinGen allele CA411145870.
Genomic context (GRCh38, chr22:29,668,391, plus strand): 5'-AGATTCTCCAGCTATGTATCGGGAACCATGATCTATTTATGAGGAGAAGGAAAGCCGATT[C>T]TTTGGAAGTTCAGCAGATGAAAGCCCAGGCCAGGGAGGAGAAGGCTAGAAAGCAGGTGAG-3'
Protein context (NP_000259.1, residues 305-325): DLFMRRRKAD[Ser315Phe]LEVQQMKAQA

ClinVar aggregate classification (germline): Uncertain significance (1 of 4 stars; one submission).

Conditions:
Hereditary cancer-predisposing syndrome. Also called: Neoplastic Syndromes, Hereditary; Tumor predisposition; Hereditary neoplastic syndrome; Hereditary Cancer Syndrome. Identifiers: Orphanet 140162, MedGen C0027672, MeSH D009386, MONDO:0015356.

Submission:

Ambry Genetics
Classification: Uncertain significance for Hereditary cancer-predisposing syndrome. Last evaluated: 2023-12-06. Review status: criteria provided, single submitter. Criteria: Ambry Variant Classification Scheme 2023. Collection method: clinical testing. Allele origin: germline.
Comment: The p.S315F variant (also known as c.944C>T), located in coding exon 10 of the NF2 gene, results from a C to T substitution at nucleotide position 944. The serine at codon 315 is replaced by phenylalanine, an amino acid with highly dissimilar properties. This amino acid position is well conserved in available vertebrate species. In addition, the in silico prediction for this alteration is inconclusive. Since supporting evidence is limited at this time, the clinical significance of this alteration remains unclear.